The following is an entry in ClinVar:

NM_014484.5(MOCS3):c.1253C>T (p.Ser418Leu)

Gene: MOCS3 (molybdenum cofactor synthesis 3; plus strand). Cytogenetic location: 20q13.13.
Variant type: single nucleotide variant.
Coding change: c.1253C>T on transcript NM_014484.5 (MANE Select); coding-DNA position 1253, C replaced by T.
Protein change: p.Ser418Leu; replaces serine 418 with leucine.
Molecular consequence: missense variant.
Genome position (GRCh38, 1-based): chr20:50,960,095, C>T. VCF-style: chr20-50960095-C-T. GRCh37 (hg19) VCF-style: chr20-49576632-C-T.
Other names: short protein forms S418L.
Identifiers: ClinVar variation 2071057 (VCV002071057.4), dbSNP rs149569136, ClinGen allele CA9909561.

ClinVar aggregate classification (germline): Uncertain significance (1 of 4 stars; one submission).

Allele frequency attached by ClinVar (database versions not stated): gnomAD 0.00005; TOPMed 0.00009; gnomAD exomes 0.00001.
gnomAD v4.1: 20 of 1,614,128 alleles (0.0012%); highest among the groups gnomAD compares: African/African-American, 0.02%; no homozygotes.

Submission:

Labcorp Genetics (formerly Invitae), Labcorp
Classification: Uncertain significance. Last evaluated: 2024-03-05. Review status: criteria provided, single submitter. Criteria: Invitae Variant Classification Sherloc (09022015). Collection method: clinical testing. Allele origin: germline.
Comment: This sequence change replaces serine, which is neutral and polar, with leucine, which is neutral and non-polar, at codon 418 of the MOCS3 protein (p.Ser418Leu). This variant is present in population databases (rs149569136, gnomAD 0.02%). This variant has not been reported in the literature in individuals affected with MOCS3-related conditions. ClinVar contains an entry for this variant (Variation ID: 2071057). An algorithm developed to predict the effect of missense changes on protein structure and function (PolyPhen-2) suggests that this variant is likely to be disruptive. In summary, the available evidence is currently insufficient to determine the role of this variant in disease. Therefore, it has been classified as a Variant of Uncertain Significance.